The following is an entry in ClinVar:

NM_005573.4(LMNB1):c.960G>C (p.Arg320Ser)

Gene: LMNB1 (lamin B1; plus strand). Cytogenetic location: 5q23.2.
Variant type: single nucleotide variant.
Coding change: c.960G>C on transcript NM_005573.4 (MANE Select); coding-DNA position 960, G replaced by C.
Protein change: p.Arg320Ser; replaces arginine 320 with serine.
Molecular consequence: missense variant. On other transcripts: non-coding transcript variant (2).
Genome position (GRCh38, 1-based): chr5:126,818,942, G>C. VCF-style: chr5-126818942-G-C. GRCh37 (hg19) VCF-style: chr5-126154634-G-C.
Other names: c.330G>C, p.Arg110Ser (NM_001198557.2); short protein forms R110S, R320S.
Identifiers: ClinVar variation 5020369 (VCV005020369.1).
Genomic context (GRCh38, chr5:126,818,942, plus strand): 5'-AATGTTCCTAGAAAGTAAATATGTTTCCTTGCATCTTAAGTCTAGAGCATGTTTGGAAAG[G>C]ATTCAAGAATTAGAGGACTTGCTTGCTAAAGAAAAAGACAACTCTCGTCGCATGCTGACA-3'
Protein context (NP_005564.1, residues 310-330): LQKESRACLE[Arg320Ser]IQELEDLLAK

ClinVar aggregate classification (germline): Uncertain significance (1 of 4 stars; one submission).

Submission:

Dasa
Classification: Uncertain significance. Last evaluated: 2026-06-15. Review status: criteria provided, single submitter. Criteria: DASA Assertion Criteria. Collection method: clinical testing. Allele origin: germline.
Comment: NM_005573.4(LMNB1):c.960G>C (p.Arg320Ser) is a missense variant that results in the substitution of arginine with serine. This variant is rare in population databases. The currently available literature and clinical evidence are not sufficient to establish a definitive association between this variant and the reported condition. Therefore, this variant is classified as a variant of uncertain significance.